The following is an entry in ClinVar:

ClinVar aggregate classification (germline): Pathogenic (1 of 4 stars; one submission).

Submission:

Labcorp Genetics (formerly Invitae), Labcorp
Classification: Pathogenic. Last evaluated: 2024-11-11. Review status: criteria provided, single submitter. Criteria: Invitae Variant Classification Sherloc (09022015). Collection method: clinical testing. Allele origin: germline.
Comment: This sequence change replaces tyrosine, which is neutral and polar, with histidine, which is basic and polar, at codon 151 of the RS1 protein (p.Tyr151His). This variant is not present in population databases (gnomAD no frequency). This missense change has been observed in individuals with X-linked retinoschisis (PMID: 24505212; internal data). ClinVar contains an entry for this variant (Variation ID: 1515506). Invitae Evidence Modeling of protein sequence and biophysical properties (such as structural, functional, and spatial information, amino acid conservation, physicochemical variation, residue mobility, and thermodynamic stability) indicates that this missense variant is expected to disrupt RS1 protein function with a positive predictive value of 95%. This variant disrupts the p.Tyr151 amino acid residue in RS1. Other variant(s) that disrupt this residue have been determined to be pathogenic (PMID: 35456481; internal data). This suggests that this residue is clinically significant, and that variants that disrupt this residue are likely to be disease-causing. For these reasons, this variant has been classified as Pathogenic.

Literature cited by the submitters: PubMed 24505212; PubMed 35456481.

NM_000330.4(RS1):c.451T>C (p.Tyr151His)

Genes: CDKL5 (cyclin dependent kinase like 5; plus strand), RS1 (retinoschisin 1; minus strand). Cytogenetic location: Xp22.13.
Variant type: single nucleotide variant.
Coding change: c.451T>C on transcript NM_000330.4 (MANE Select); coding-DNA position 451, T replaced by C.
Protein change: p.Tyr151His; replaces tyrosine 151 with histidine.
Molecular consequence: missense variant. On other transcripts: intron variant (2).
Genome position (GRCh38, 1-based): chrX:18,644,501, A>G on the plus strand (T>C on the coding strand, the complement: RS1 is on the minus strand). VCF-style: chrX-18644501-A-G. GRCh37 (hg19) VCF-style: chrX-18662621-A-G.
Other names: c.2714-1506A>G (NM_003159.3, NM_001037343.2); short protein forms Y151H.
Identifiers: ClinVar variation 1515506 (VCV001515506.8), dbSNP rs2147191221, ClinGen allele CA412371632.
Genomic context (GRCh38, chrX:18,644,501, plus strand): 5'-CAGTCTGGTCCTTGTAGTAAATCCAGTTCAGGCGCTCATCGGTCCTGTACTGCACGCTGT[A>G]CTTGGTCATCCACTCATCGATGTCACAGCGCCCCTGGGTGAGGATCCCTGAAATCACTTT-3'
Protein context (NP_000321.1, residues 141-161): RCDIDEWMTK[Tyr151His]SVQYRTDERL